The following is an entry in ClinVar:

ClinVar aggregate classification (germline): Uncertain significance (1 of 4 stars; one submission).

Conditions:
Severe early-onset pulmonary alveolar proteinosis due to MARS deficiency. Also called: PULMONARY ALVEOLAR PROTEINOSIS, REUNION ISLAND; Interstitial lung and liver disease. Identifiers: Orphanet 440427, MedGen C4225400, MONDO:0014206, OMIM 615486.
Charcot-Marie-Tooth disease axonal type 2U. Also called: CHARCOT-MARIE-TOOTH NEUROPATHY, TYPE 2U; CHARCOT-MARIE-TOOTH DISEASE, AXONAL, AUTOSOMAL DOMINANT, TYPE 2U. Identifiers: Orphanet 397735, MedGen C4084821, MONDO:0014566, OMIM 616280.

Allele frequency attached by ClinVar (database versions not stated): ExAC 0.00001; gnomAD 0.00001; TOPMed 0.00001; ESP Exome Variant Server 0.00008.
gnomAD v4.1: 3 of 1,614,050 alleles (0.00019%); highest among the groups gnomAD compares: Non-Finnish European, 0.00017%; no homozygotes.

Submission:

Labcorp Genetics (formerly Invitae), Labcorp
Classification: Uncertain significance for Charcot-Marie-Tooth disease axonal type 2U; Severe early-onset pulmonary alveolar proteinosis due to MARS deficiency. Last evaluated: 2021-04-18. Review status: criteria provided, single submitter. Criteria: Invitae Variant Classification Sherloc (09022015). Collection method: clinical testing. Allele origin: germline.
Comment: This variant has not been reported in the literature in individuals with MARS-related conditions. Algorithms developed to predict the effect of missense changes on protein structure and function (SIFT, PolyPhen-2, Align-GVGD) all suggest that this variant is likely to be disruptive, but these predictions have not been confirmed by published functional studies and their clinical significance is uncertain. In summary, the available evidence is currently insufficient to determine the role of this variant in disease. Therefore, it has been classified as a Variant of Uncertain Significance. This variant is present in population databases (rs375218777, ExAC 0.001%). This sequence change replaces tyrosine with asparagine at codon 532 of the MARS protein (p.Tyr532Asn). The tyrosine residue is highly conserved and there is a large physicochemical difference between tyrosine and asparagine.

NM_004990.4(MARS1):c.1594T>A (p.Tyr532Asn)

Gene: MARS1 (methionyl-tRNA synthetase 1; plus strand). Cytogenetic location: 12q13.3.
Variant type: single nucleotide variant.
Coding change: c.1594T>A on transcript NM_004990.4 (MANE Select); coding-DNA position 1594, T replaced by A.
Protein change: p.Tyr532Asn; replaces tyrosine 532 with asparagine.
Molecular consequence: missense variant.
Genome position (GRCh38, 1-based): chr12:57,512,062, T>A. VCF-style: chr12-57512062-T-A. GRCh37 (hg19) VCF-style: chr12-57905845-T-A.
Other names: short protein forms Y532N.
Identifiers: ClinVar variation 1681747 (VCV001681747.8), dbSNP rs375218777, ClinGen allele CA6650553.